The following is an entry in ClinVar:

ClinVar aggregate classification (germline): Uncertain significance. Review status: criteria provided, multiple submitters, no conflicts (2 of 4 stars). 2 submissions from 2 submitters: Uncertain significance (2). Last evaluated 2024-10-13.

Conditions:
Inborn genetic diseases. Identifiers: MedGen C0950123, MeSH D030342.

Allele frequency attached by ClinVar (database versions not stated): gnomAD 0.00006; TOPMed 0.00009; 1000 Genomes Project 30x 0.00016; 1000 Genomes Project 0.00020.
gnomAD v4.1: 15 of 1,613,874 alleles (0.00093%); highest among the groups gnomAD compares: African/African-American, 0.02%; no homozygotes.

Submissions (2):

Labcorp Genetics (formerly Invitae), Labcorp
Classification: Uncertain significance. Last evaluated: 2024-10-13. Review status: criteria provided, single submitter. Criteria: Invitae Variant Classification Sherloc (09022015). Collection method: clinical testing. Allele origin: germline.
Comment: This sequence change replaces methionine, which is neutral and non-polar, with isoleucine, which is neutral and non-polar, at codon 942 of the MYO18B protein (p.Met942Ile). This variant is present in population databases (rs533272548, gnomAD 0.03%). This variant has not been reported in the literature in individuals affected with MYO18B-related conditions. An algorithm developed to predict the effect of missense changes on protein structure and function (PolyPhen-2) suggests that this variant is likely to be tolerated. In summary, the available evidence is currently insufficient to determine the role of this variant in disease. Therefore, it has been classified as a Variant of Uncertain Significance.

Ambry Genetics
Classification: Uncertain significance for Inborn genetic diseases. Last evaluated: 2024-08-20. Review status: criteria provided, single submitter. Criteria: Ambry Variant Classification Scheme 2023. Collection method: clinical testing. Allele origin: germline.

NM_032608.7(MYO18B):c.2826G>C (p.Met942Ile)

Gene: MYO18B (myosin XVIIIB; plus strand). Cytogenetic location: 22q12.1.
Variant type: single nucleotide variant.
Coding change: c.2826G>C on transcript NM_032608.7 (MANE Select); coding-DNA position 2826, G replaced by C.
Protein change: p.Met942Ile; replaces methionine 942 with isoleucine.
Molecular consequence: missense variant.
Genome position (GRCh38, 1-based): chr22:25,828,815, G>C. VCF-style: chr22-25828815-G-C. GRCh37 (hg19) VCF-style: chr22-26224782-G-C.
Other names: c.2826G>C (NM_032608.5); c.2826G>C, p.Met942Ile (NM_001318245.2); short protein forms M942I.
Identifiers: ClinVar variation 2898507 (VCV002898507.4), dbSNP rs533272548, ClinGen allele CA322792059.